The following is an entry in ClinVar:

NM_001267550.2(TTN):c.26200G>A (p.Ala8734Thr)

Gene: TTN (titin; minus strand). Cytogenetic location: 2q31.2.
Variant type: single nucleotide variant.
Coding change: c.26200G>A on transcript NM_001267550.2 (MANE Select); coding-DNA position 26200, G replaced by A.
Protein change: p.Ala8734Thr; replaces alanine 8734 with threonine.
Molecular consequence: missense variant. On other transcripts: intron variant (3).
Genome position (GRCh38, 1-based): chr2:178,714,986, C>T on the plus strand (G>A on the coding strand, the complement: TTN is on the minus strand). VCF-style: chr2-178714986-C-T. GRCh37 (hg19) VCF-style: chr2-179579713-C-T.
Other names: c.22468G>A, p.Ala7490Thr (NM_133378.4); c.25249G>A, p.Ala8417Thr (NM_001256850.1); c.13282+23096G>A (NM_003319.4); c.13858+23096G>A (NM_133437.4); c.13657+23096G>A (NM_133432.3); short protein forms A7490T, A8734T, A8417T.
Identifiers: ClinVar variation 166149 (VCV000166149.13), dbSNP rs727503646, ClinGen allele CA178954.

ClinVar aggregate classification (germline): Uncertain significance. Review status: criteria provided, multiple submitters, no conflicts (2 of 4 stars). 4 submissions from 4 submitters: Uncertain significance (4). Last evaluated 2022-10-05.

Conditions:
Autosomal recessive limb-girdle muscular dystrophy type 2J (LGMDR10). Also called: MUSCULAR DYSTROPHY, LIMB-GIRDLE, AUTOSOMAL RECESSIVE 10; Limb-girdle muscular dystrophy, type 2J. Identifiers: Orphanet 140922, MedGen C1837342, MONDO:0012127, OMIM 608807.
Dilated cardiomyopathy 1G (CMD1G). Identifiers: Orphanet 154, MedGen C1858763, MONDO:0011400, OMIM 604145.
Tibial muscular dystrophy (TMD). Also called: Tibial muscular dystrophy, tardive; Udd Distal Myopathy – Tibial Muscular Dystrophy; UDD MYOPATHY. Identifiers: Orphanet 609, MedGen C1838244, MONDO:0010870, OMIM 600334.
Myopathy, myofibrillar, 9, with early respiratory failure (MFM9). Also called: Myopathy, distal, with early respiratory failure, autosomal dominant; EDSTROM MYOPATHY; MYOPATHY, PROXIMAL, WITH EARLY RESPIRATORY MUSCLE INVOLVEMENT; Hereditary myopathy with early respiratory failure. Identifiers: Orphanet 178464, Orphanet 34521, MedGen C1863599, MONDO:0011362, OMIM 603689.
Early-onset myopathy with fatal cardiomyopathy (CMYO5). Also called: CONGENITAL MYOPATHY 5 WITH CARDIOMYOPATHY; Salih Myopathy. Identifiers: Orphanet 289377, MedGen C2673677, MONDO:0012714, OMIM 611705. Disease mechanism: loss of function.
Hypertrophic cardiomyopathy 9. Also called: Familial hypertrophic cardiomyopathy 9. Identifiers: MedGen C1861065, MONDO:0013412, OMIM 613765.

Allele frequency attached by ClinVar (database versions not stated): gnomAD 0.00002; TOPMed 0.00002; gnomAD exomes 0.00004.
gnomAD v4.1: 56 of 1,604,034 alleles (0.0035%); highest among the groups gnomAD compares: Non-Finnish European, 0.0046%; no homozygotes.

Submissions (4):

Labcorp Genetics (formerly Invitae), Labcorp
Classification: Uncertain significance for Dilated cardiomyopathy 1G; Autosomal recessive limb-girdle muscular dystrophy type 2J. Last evaluated: 2022-10-05. Review status: criteria provided, single submitter. Criteria: Invitae Variant Classification Sherloc (09022015). Collection method: clinical testing. Allele origin: germline.
Comment: This sequence change replaces alanine, which is neutral and non-polar, with threonine, which is neutral and polar, at codon 8734 of the TTN protein (p.Ala8734Thr). This variant also falls at the last nucleotide of exon 90, which is part of the consensus splice site for this exon. This variant is present in population databases (rs727503646, gnomAD 0.007%). This variant has not been reported in the literature in individuals affected with TTN-related conditions. ClinVar contains an entry for this variant (Variation ID: 166149). Experimental studies and prediction algorithms are not available or were not evaluated, and the functional significance of this variant is currently unknown. Variants that disrupt the consensus splice site are a relatively common cause of aberrant splicing (PMID: 17576681, 9536098). Algorithms developed to predict the effect of sequence changes on RNA splicing suggest that this variant may disrupt the consensus splice site. This variant is located in the I band of TTN (PMID: 25589632). Variants in this region may be clinically relevant, but have not been definitively shown to cause cardiomyopathy or neuromuscular disease (PMID: 27493940, 32778822). In summary, the available evidence is currently insufficient to determine the role of this variant in disease. Therefore, it has been classified as a Variant of Uncertain Significance.

Fulgent Genetics
Classification: Uncertain significance for Tibial muscular dystrophy; Myopathy, myofibrillar, 9, with early respiratory failure; Dilated cardiomyopathy 1G; Autosomal recessive limb-girdle muscular dystrophy type 2J; Early-onset myopathy with fatal cardiomyopathy; Hypertrophic cardiomyopathy 9. Last evaluated: 2021-09-18. Review status: criteria provided, single submitter. Criteria: ACMG Guidelines, 2015. Collection method: clinical testing. Allele origin: unknown.

Eurofins Ntd Llc (ga)
Classification: Uncertain significance. Last evaluated: 2016-05-18. Review status: criteria provided, single submitter. Criteria: EGL Classification Definitions 2015. Collection method: clinical testing. Allele origin: germline. Observed: 2 variant alleles, 2 heterozygotes.

Laboratory for Molecular Medicine, Mass General Brigham Personalized Medicine
Classification: Uncertain significance. Last evaluated: 2013-08-14. Review status: criteria provided, single submitter. Criteria: LMM Criteria. Collection method: clinical testing. Allele origin: germline. Observed: 1 variant allele.
Comment: The Ala7490Thr variant in TTN has not been reported in individuals with cardiomy opathy or in large population studies. Computational analyses (biochemical amino acid properties, conservation, AlignGVGD, PolyPhen2, and SIFT) suggest that thi s amino acid change may not impact the protein, though this information is not p redictive enough to rule out pathogenicity. This variant is located in the last base of the exon, which is part of the 5' splice region. Computational tools do suggest an impact to splicing, though this information is not predictive enough to determine pathogenicity. Additional information is needed to fully assess the clinical significance of this variant.

Literature cited by the submitters: PubMed 17576681 (cited by Labcorp Genetics (formerly Invitae), Labcorp); PubMed 9536098 (cited by Labcorp Genetics (formerly Invitae), Labcorp); PubMed 25589632 (cited by Labcorp Genetics (formerly Invitae), Labcorp); PubMed 27493940 (cited by Labcorp Genetics (formerly Invitae), Labcorp); PubMed 32778822 (cited by Labcorp Genetics (formerly Invitae), Labcorp).